The following is an entry in ClinVar:

NM_006767.4(LZTR1):c.1328G>A (p.Cys443Tyr)

Gene: LZTR1 (leucine zipper like post translational regulator 1; plus strand). Cytogenetic location: 22q11.21.
Variant type: single nucleotide variant.
Coding change: c.1328G>A on transcript NM_006767.4 (MANE Select); coding-DNA position 1328, G replaced by A.
Protein change: p.Cys443Tyr; replaces cysteine 443 with tyrosine.
Molecular consequence: missense variant.
Genome position (GRCh38, 1-based): chr22:20,993,729, G>A. VCF-style: chr22-20993729-G-A. GRCh37 (hg19) VCF-style: chr22-21348018-G-A.
Other names: short protein forms C443Y.
Identifiers: ClinVar variation 1770055 (VCV001770055.6), dbSNP rs2518620032, ClinGen allele CA410774620.

ClinVar aggregate classification (germline): Uncertain significance. Review status: criteria provided, multiple submitters, no conflicts (2 of 4 stars). 3 submissions from 3 submitters: Uncertain significance (3). Last evaluated 2025-12-11.

Conditions:
Cardiovascular phenotype. Identifiers: MedGen CN230736.
Hereditary cancer-predisposing syndrome. Also called: Hereditary Cancer Syndrome; Hereditary neoplastic syndrome; Neoplastic Syndromes, Hereditary; Tumor predisposition. Identifiers: Orphanet 140162, MedGen C0027672, MeSH D009386, MONDO:0015356.
LZTR1-related schwannomatosis. Also called: Schwannomatosis 2; Schwannomatosis-2, susceptibility to. Identifiers: Orphanet 93921, MedGen C3810283, MONDO:0014299, OMIM 615670.

Allele frequency attached by ClinVar (database versions not stated): gnomAD exomes below 0.00001.
gnomAD v4.1: 1 of 1,613,428 alleles (0.000062%); highest among the groups gnomAD compares: Non-Finnish European, 0.000085%; no homozygotes.

Submissions (3):

Ambry Genetics
Classification: Uncertain significance for Cardiovascular phenotype; Hereditary cancer-predisposing syndrome. Last evaluated: 2025-12-11. Review status: criteria provided, single submitter. Criteria: Ambry Variant Classification Scheme 2023. Collection method: clinical testing. Allele origin: germline.
Comment: The p.C443Y variant (also known as c.1328G>A), located in coding exon 12 of the LZTR1 gene, results from a G to A substitution at nucleotide position 1328. The cysteine at codon 443 is replaced by tyrosine, an amino acid with highly dissimilar properties. This amino acid position is well conserved in available vertebrate species. In addition, this alteration is predicted to be deleterious by in silico analysis. Since supporting evidence is limited at this time, the clinical significance of this alteration remains unclear.

Labcorp Genetics (formerly Invitae), Labcorp
Classification: Uncertain significance. Last evaluated: 2025-08-15. Review status: criteria provided, single submitter. Criteria: Invitae Variant Classification Sherloc (09022015). Collection method: clinical testing. Allele origin: germline.
Comment: This sequence change replaces cysteine, which is neutral and slightly polar, with tyrosine, which is neutral and polar, at codon 443 of the LZTR1 protein (p.Cys443Tyr). This variant is not present in population databases (gnomAD no frequency). This variant has not been reported in the literature in individuals affected with LZTR1-related conditions. ClinVar contains an entry for this variant (Variation ID: 1770055). Invitae Evidence Modeling of protein sequence and biophysical properties (such as structural, functional, and spatial information, amino acid conservation, physicochemical variation, residue mobility, and thermodynamic stability) indicates that this missense variant is not expected to disrupt LZTR1 protein function with a negative predictive value of 80%. In summary, the available evidence is currently insufficient to determine the role of this variant in disease. Therefore, it has been classified as a Variant of Uncertain Significance.

Baylor Genetics
Classification: Uncertain significance for LZTR1-related schwannomatosis. Last evaluated: 2023-11-29. Review status: criteria provided, single submitter. Criteria: ACMG Guidelines, 2015. Collection method: clinical testing. Allele origin: unknown.